The following is an entry in ClinVar:

ClinVar aggregate classification (germline): Uncertain significance (1 of 4 stars; one submission).

Conditions:
Sphingolipid activator protein 1 deficiency. Also called: METACHROMATIC LEUKODYSTROPHY DUE TO CEREBROSIDE SULFATASE ACTIVATOR DEFICIENCY; Saposin B Deficiency; Metachromatic leukodystrophy due to saposin B deficiency. Identifiers: Orphanet 512, MedGen C0268262, MONDO:0009590, OMIM 249900.

Allele frequency attached by ClinVar (database versions not stated): TOPMed 0.00001; gnomAD exomes 0.00002.
gnomAD v4.1: 33 of 1,614,064 alleles (0.002%); highest among the groups gnomAD compares: Non-Finnish European, 0.0025%; no homozygotes.

Submission:

Labcorp Genetics (formerly Invitae), Labcorp
Classification: Uncertain significance for Sphingolipid activator protein 1 deficiency. Last evaluated: 2021-09-02. Review status: criteria provided, single submitter. Criteria: Invitae Variant Classification Sherloc (09022015). Collection method: clinical testing. Allele origin: germline.
Comment: This sequence change replaces glutamic acid with glycine at codon 356 of the PSAP protein (p.Glu356Gly). The glutamic acid residue is weakly conserved and there is a moderate physicochemical difference between glutamic acid and glycine. This variant is present in population databases (rs763529106, ExAC 0.01%). This variant has not been reported in the literature in individuals affected with PSAP-related conditions. Algorithms developed to predict the effect of missense changes on protein structure and function are either unavailable or do not agree on the potential impact of this missense change (SIFT: "Not Available"; PolyPhen-2: "Possibly Damaging"; Align-GVGD: "Not Available"). In summary, the available evidence is currently insufficient to determine the role of this variant in disease. Therefore, it has been classified as a Variant of Uncertain Significance.

NM_002778.4(PSAP):c.1067A>G (p.Glu356Gly)

Gene: PSAP (prosaposin; minus strand). Cytogenetic location: 10q22.1.
Variant type: single nucleotide variant.
Coding change: c.1067A>G on transcript NM_002778.4 (MANE Select); coding-DNA position 1067, A replaced by G.
Protein change: p.Glu356Gly; replaces glutamic acid 356 with glycine.
Molecular consequence: missense variant.
Genome position (GRCh38, 1-based): chr10:71,819,839, T>C on the plus strand (A>G on the coding strand, the complement: PSAP is on the minus strand). VCF-style: chr10-71819839-T-C. GRCh37 (hg19) VCF-style: chr10-73579596-T-C.
Other names: c.1076A>G, p.Glu359Gly (NM_001042465.3); c.1073A>G, p.Glu358Gly (NM_001042466.3); short protein forms E358G, E359G, E356G.
Identifiers: ClinVar variation 2193468 (VCV002193468.1), dbSNP rs763529106, ClinGen allele CA5547488.
Genomic context (GRCh38, chr10:71,819,839, plus strand): 5'-ACCTCCTCCAGCAGGATGGACAGGATGGAGCTGCCGTACGTGTCCACCACCTCCTGGCAC[T>C]CTTCCGACAGGGACTTCGGCAGCTTCGAGCACATTTTGTCAAAAGCGTCGAGTATTTCTT-3'
Protein context (NP_002769.1, residues 346-366): CSKLPKSLSE[Glu356Gly]CQEVVDTYGS